The following is an entry in ClinVar:

ClinVar aggregate classification (germline): Uncertain significance (1 of 4 stars; one submission).

Conditions:
Hereditary cancer-predisposing syndrome. Also called: Hereditary Cancer Syndrome; Neoplastic Syndromes, Hereditary; Hereditary neoplastic syndrome; Tumor predisposition. Identifiers: Orphanet 140162, MedGen C0027672, MeSH D009386, MONDO:0015356.

Allele frequency attached by ClinVar (database versions not stated): gnomAD exomes below 0.00001.
gnomAD v4.1: 1 of 1,603,396 alleles (0.000062%); highest among the groups gnomAD compares: Non-Finnish European, 0.000085%; no homozygotes.

Submission:

Labcorp Genetics (formerly Invitae), Labcorp
Classification: Uncertain significance for Hereditary cancer-predisposing syndrome. Last evaluated: 2022-07-03. Review status: criteria provided, single submitter. Criteria: Invitae Variant Classification Sherloc (09022015). Collection method: clinical testing. Allele origin: germline.
Comment: In summary, the available evidence is currently insufficient to determine the role of this variant in disease. Therefore, it has been classified as a Variant of Uncertain Significance. Algorithms developed to predict the effect of missense changes on protein structure and function (SIFT, PolyPhen-2, Align-GVGD) all suggest that this variant is likely to be tolerated. This variant has not been reported in the literature in individuals affected with RAD50-related conditions. This variant is not present in population databases (gnomAD no frequency). This sequence change replaces aspartic acid, which is acidic and polar, with glutamic acid, which is acidic and polar, at codon 549 of the RAD50 protein (p.Asp549Glu).

NM_005732.4(RAD50):c.1647T>G (p.Asp549Glu)

Gene: RAD50 (RAD50 double strand break repair protein; plus strand). Cytogenetic location: 5q31.1.
Variant type: single nucleotide variant.
Coding change: c.1647T>G on transcript NM_005732.4 (MANE Select); coding-DNA position 1647, T replaced by G.
Protein change: p.Asp549Glu; replaces aspartic acid 549 with glutamic acid.
Molecular consequence: missense variant.
Genome position (GRCh38, 1-based): chr5:132,591,888, T>G. VCF-style: chr5-132591888-T-G. GRCh37 (hg19) VCF-style: chr5-131927580-T-G.
Other names: short protein forms D549E.
Identifiers: ClinVar variation 2013611 (VCV002013611.4), dbSNP rs2479643314, ClinGen allele CA360946310.
Genomic context (GRCh38, chr5:132,591,888, plus strand): 5'-ATGTGGAGATATAGACTTTATTTTTAAAAGATTTTTTTTTTACCTATAGGCTGACAAAGA[T>G]GAACAAATCAGAAAAATAAAATCTAGGCACAGTGATGAATTAACCTCACTGTTGGGATAT-3'
Protein context (NP_005723.2, residues 539-559): EMLTKDKADK[Asp549Glu]EQIRKIKSRH